The following is an entry in ClinVar:

ClinVar aggregate classification (germline): Conflicting classifications of pathogenicity. Review status: criteria provided, conflicting classifications (1 of 4 stars). 2 submissions from 2 submitters: Uncertain significance (1); Likely benign (1). Last evaluated 2025-02-04.

Conditions:
FG syndrome (FGS). Identifiers: MedGen C0220769, MONDO:0002010.

Allele frequency attached by ClinVar (database versions not stated): ExAC 0.00001; ESP Exome Variant Server 0.00011; TOPMed 0.00001.

Submissions (2):

GeneDx
Classification: Uncertain significance. Last evaluated: 2025-02-04. Review status: criteria provided, single submitter. Criteria: GeneDx Variant Classification Process June 2021. Collection method: clinical testing. Allele origin: germline.
Comment: Not observed at significant frequency in large population cohorts (gnomAD); In silico analysis supports that this missense variant has a deleterious effect on protein structure/function; Has not been previously published as pathogenic or benign to our knowledge

Labcorp Genetics (formerly Invitae), Labcorp
Classification: Likely benign for FG syndrome. Last evaluated: 2024-01-08. Review status: criteria provided, single submitter. Criteria: Invitae Variant Classification Sherloc (09022015). Collection method: clinical testing. Allele origin: germline.

NM_005120.3(MED12):c.82G>A (p.Asp28Asn)

Gene: MED12 (mediator complex subunit 12; plus strand). Cytogenetic location: Xq13.1.
Variant type: single nucleotide variant.
Coding change: c.82G>A on transcript NM_005120.3 (MANE Select); coding-DNA position 82, G replaced by A.
Protein change: p.Asp28Asn; replaces aspartic acid 28 with asparagine.
Molecular consequence: missense variant.
Genome position (GRCh38, 1-based): chrX:71,118,836, G>A. VCF-style: chrX-71118836-G-A. GRCh37 (hg19) VCF-style: chrX-70338686-G-A.
Other names: c.82G>A (NM_005120.2); short protein forms D28N.
Identifiers: ClinVar variation 2708290 (VCV002708290.5), dbSNP rs371385969, ClinGen allele CA10443984.